The following is an entry in ClinVar:

ClinVar aggregate classification (germline): Uncertain significance (1 of 4 stars; one submission).

Submission:

GeneDx
Classification: Uncertain significance. Last evaluated: 2025-08-12. Review status: criteria provided, single submitter. Criteria: GeneDx Variant Classification Process June 2021. Collection method: clinical testing. Allele origin: germline. Affected: yes.
Comment: Not observed at significant frequency in large population cohorts (gnomAD); In silico analysis supports that this missense variant has a deleterious effect on protein structure/function; Has not been previously published as pathogenic or benign to our knowledge; Not located in one of the three hot-spot regions of the RYR2 gene, where the majority of pathogenic missense variants occur (PMID: 19926015); This variant is associated with the following publications: (PMID: 19926015)

NM_001035.3(RYR2):c.1439G>A (p.Arg480Gln)

Gene: RYR2 (ryanodine receptor 2; plus strand). Cytogenetic location: 1q43.
Variant type: single nucleotide variant.
Coding change: c.1439G>A on transcript NM_001035.3 (MANE Select); coding-DNA position 1439, G replaced by A.
Protein change: p.Arg480Gln; replaces arginine 480 with glutamine.
Molecular consequence: missense variant.
Genome position (GRCh38, 1-based): chr1:237,454,537, G>A. VCF-style: chr1-237454537-G-A. GRCh37 (hg19) VCF-style: chr1-237617837-G-A.
Other names: short protein forms R480Q.
Identifiers: ClinVar variation 4795720 (VCV004795720.1).